The following is an entry in ClinVar:

ClinVar aggregate classification (germline): Likely benign (1 of 4 stars; one submission).

Allele frequency attached by ClinVar (database versions not stated): gnomAD 0.00001 and 0.00002.
gnomAD v4.1: 1 of 134,356 alleles (0.00074%); highest among the groups gnomAD compares: Non-Finnish European, 0.0016%; no homozygotes.

Submission:

GeneDx
Classification: Likely benign. Last evaluated: 2018-03-26. Review status: criteria provided, single submitter. Criteria: GeneDx Variant Classification (06012015). Collection method: clinical testing. Allele origin: germline. Affected: yes.
Comment: This variant is considered likely benign or benign based on one or more of the following criteria: it is a conservative change, it occurs at a poorly conserved position in the protein, it is predicted to be benign by multiple in silico algorithms, and/or has population frequency not consistent with disease.

NM_001958.5(EEF1A2):c.-72+7A>C

Gene: EEF1A2 (eukaryotic translation elongation factor 1 alpha 2; minus strand). Cytogenetic location: 20q13.33.
Variant type: single nucleotide variant.
Coding change: c.-72+7A>C on transcript NM_001958.5 (MANE Select); 7 bases into the intron after 72 bases upstream of the start codon, A replaced by C.
Molecular consequence: intron variant.
Genome position (GRCh38, 1-based): chr20:63,499,051, T>G on the plus strand (A>C on the coding strand, the complement: EEF1A2 is on the minus strand). VCF-style: chr20-63499051-T-G. GRCh37 (hg19) VCF-style: chr20-62130404-T-G.
Identifiers: ClinVar variation 677735 (VCV000677735.1), dbSNP rs1490008860, ClinGen allele CA636360137.
Genomic context (GRCh38, chr20:63,499,051, plus strand): 5'-CGGCCCCGGGGGTCCCTCTTCGGAAGACGGGGGCGGGGGCGGAGGCCCGGGGGCCGAGCG[T>G]CCTTACCCGGAGCCGAGGTCTCAGCCAGAGGGACTGGCGGCGCCGGCGCCGGCGGTTTTA-3'